The following is an entry in ClinVar:

ClinVar aggregate classification (germline): Uncertain significance (1 of 4 stars; one submission).

Submission:

GeneDx
Classification: Uncertain significance. Last evaluated: 2025-01-16. Review status: criteria provided, single submitter. Criteria: GeneDx Variant Classification Process June 2021. Collection method: clinical testing. Allele origin: germline. Affected: yes.
Comment: Not observed at significant frequency in large population cohorts (gnomAD); Frameshift variant predicted to result in protein truncation or nonsense mediated decay in a gene or region of a gene for which loss of function is not a well-established mechanism of disease; Has not been previously published as pathogenic or benign to our knowledge

NM_015898.4(ZBTB7A):c.273_281delinsA (p.Phe91fs)

Gene: ZBTB7A (zinc finger and BTB domain containing 7A; minus strand). Cytogenetic location: 19p13.3.
Variant type: Indel.
Coding change: c.273_281delinsA on transcript NM_015898.4 (MANE Select); coding-DNA positions 273 to 281, CGCCTACAC replaced by A.
Protein change: p.Phe91fs; shifts the reading frame from phenylalanine 91.
Molecular consequence: frameshift variant.
Genome position (GRCh38, 1-based): chr19:4,054,952-4,054,960, GTGTAGGCG replaced by T on the plus strand (CGCCTACAC replaced by A on the coding strand, the reverse complement: ZBTB7A is on the minus strand). VCF-style: chr19-4054952-GTGTAGGCG-T. GRCh37 (hg19) VCF-style: chr19-4054950-GTGTAGGCG-T.
Other names: c.273_281delinsA, p.Phe91fs (NM_001317990.2); short protein forms F91fs.
Identifiers: ClinVar variation 1342771 (VCV001342771.3), dbSNP rs2144994010, ClinGen allele CA2573054767.